The following is an entry in ClinVar:

ClinVar aggregate classification (germline): Conflicting classifications of pathogenicity. Review status: criteria provided, conflicting classifications (1 of 4 stars). 2 submissions from 2 submitters: Uncertain significance (1); Likely benign (1). Last evaluated 2024-04-01.

Conditions:
Charcot-Marie-Tooth disease axonal type 2O. Also called: CHARCOT-MARIE-TOOTH NEUROPATHY, AXONAL, TYPE 2O; CHARCOT-MARIE-TOOTH DISEASE, AXONAL, AUTOSOMAL DOMINANT, TYPE 2O; Charcot-Marie-Tooth Neuropathy Type 2O; Charcot-Marie-Tooth disease, axonal, type 20. Identifiers: Orphanet 284232, MedGen C3280220, MONDO:0013644, OMIM 614228.

gnomAD v4.1: 10 of 1,614,160 alleles (0.00062%); highest among the groups gnomAD compares: South Asian, 0.011%; no homozygotes.

Submissions (2):

Labcorp Genetics (formerly Invitae), Labcorp
Classification: Uncertain significance for Charcot-Marie-Tooth disease axonal type 2O. Last evaluated: 2024-04-01. Review status: criteria provided, single submitter. Criteria: Invitae Variant Classification Sherloc (09022015). Collection method: clinical testing. Allele origin: germline.
Comment: This sequence change falls in intron 17 of the DYNC1H1 gene. It does not directly change the encoded amino acid sequence of the DYNC1H1 protein. It affects a nucleotide within the consensus splice site. This variant is present in population databases (no rsID available, gnomAD 0.01%). This variant has not been reported in the literature in individuals affected with DYNC1H1-related conditions. Variants that disrupt the consensus splice site are a relatively common cause of aberrant splicing (PMID: 17576681, 9536098). Algorithms developed to predict the effect of sequence changes on RNA splicing suggest that this variant is not likely to affect RNA splicing. In summary, the available evidence is currently insufficient to determine the role of this variant in disease. Therefore, it has been classified as a Variant of Uncertain Significance.

Blueprint Genetics
Classification: Likely benign. Last evaluated: 2019-01-10. Review status: criteria provided, single submitter. Criteria: ACMG Guidelines, 2015. Collection method: clinical testing. Allele origin: germline.

Literature cited by the submitters: PubMed 17576681 (cited by Labcorp Genetics (formerly Invitae), Labcorp); PubMed 9536098 (cited by Labcorp Genetics (formerly Invitae), Labcorp).

NM_001376.5(DYNC1H1):c.3960+5G>C

Gene: DYNC1H1 (dynein cytoplasmic 1 heavy chain 1; plus strand). Cytogenetic location: 14q32.31.
Variant type: single nucleotide variant.
Coding change: c.3960+5G>C on transcript NM_001376.5 (MANE Select); 5 bases into the intron after coding-DNA position 3960, G replaced by C.
Molecular consequence: intron variant.
Genome position (GRCh38, 1-based): chr14:102,000,149, G>C. VCF-style: chr14-102000149-G-C. GRCh37 (hg19) VCF-style: chr14-102466486-G-C.
Identifiers: ClinVar variation 3714901 (VCV003714901.3).